The following is an entry in ClinVar:

NM_006231.4(POLE):c.4776G>T (p.Glu1592Asp)

Gene: POLE (DNA polymerase epsilon, catalytic subunit; minus strand). Cytogenetic location: 12q24.33.
Variant type: single nucleotide variant.
Coding change: c.4776G>T on transcript NM_006231.4 (MANE Select); coding-DNA position 4776, G replaced by T.
Protein change: p.Glu1592Asp; replaces glutamic acid 1592 with aspartic acid.
Molecular consequence: missense variant.
Genome position (GRCh38, 1-based): chr12:132,642,682, C>A on the plus strand (G>T on the coding strand, the complement: POLE is on the minus strand). VCF-style: chr12-132642682-C-A. GRCh37 (hg19) VCF-style: chr12-133219268-C-A.
Other names: short protein forms E1592D.
Identifiers: ClinVar variation 1693389 (VCV001693389.7), dbSNP rs2138536337, ClinGen allele CA387378425.

ClinVar aggregate classification (germline): Uncertain significance. Review status: criteria provided, multiple submitters, no conflicts (2 of 4 stars). 2 submissions from 2 submitters: Uncertain significance (2). Last evaluated 2022-06-29.

Submissions (2):

GeneDx
Classification: Uncertain significance. Last evaluated: 2022-06-29. Review status: criteria provided, single submitter. Criteria: GeneDx Variant Classification Process June 2021. Collection method: clinical testing. Allele origin: germline. Affected: yes.
Comment: Not observed at significant frequency in large population cohorts (gnomAD); In silico analysis supports that this missense variant does not alter protein structure/function; Has not been previously published as pathogenic or benign to our knowledge

Labcorp Genetics (formerly Invitae), Labcorp
Classification: Uncertain significance. Last evaluated: 2021-12-24. Review status: criteria provided, single submitter. Criteria: Invitae Variant Classification Sherloc (09022015). Collection method: clinical testing. Allele origin: germline.
Comment: This sequence change replaces glutamic acid, which is acidic and polar, with aspartic acid, which is acidic and polar, at codon 1592 of the POLE protein (p.Glu1592Asp). In summary, the available evidence is currently insufficient to determine the role of this variant in disease. Therefore, it has been classified as a Variant of Uncertain Significance. Algorithms developed to predict the effect of missense changes on protein structure and function (SIFT, PolyPhen-2, Align-GVGD) all suggest that this variant is likely to be tolerated. This variant has not been reported in the literature in individuals affected with POLE-related conditions. This variant is not present in population databases (gnomAD no frequency).